The following continues an entry in ClinVar:

NM_000257.4(MYH7):c.4076G>A (p.Arg1359His)

Gene: MYH7. ClinVar aggregate classification (germline): Conflicting classifications of pathogenicity. Pathogenic (1); Uncertain significance (11).

Submissions 12 to 17 of 17:

Cambridge Genomics Laboratory, East Genomic Laboratory Hub, NHS Genomic Medicine Service
Classification: Uncertain significance for Primary dilated cardiomyopathy. Last evaluated: 2018-09-20. Review status: criteria provided, single submitter. Criteria: ACGS Best Practice Guidelines for Variant Classification in Rare Disease 2020. Collection method: clinical testing. Allele origin: germline. Affected: yes. Observed: 1 variant allele.

PreventionGenetics, part of Exact Sciences
Classification: Uncertain significance for MYH7-related condition. Last evaluated: 2024-05-28. Review status: no assertion criteria provided. Collection method: clinical testing. Allele origin: germline. Not counted in ClinVar's aggregate classification.
Comment: The MYH7 c.4076G>A variant is predicted to result in the amino acid substitution p.Arg1359His. This variant has been reported in individuals with dilated cardiomyopathy (Broch et al. 2015. PubMed ID: 26468400; Table S7, Mazzarotto et al. 2020. PubMed ID: 31983221; Mehaney et al. 2021. PubMed ID: 34036930). It has also been described in an individual with noncompaction cardiomyopathy (Online Table 3, van Waning et al. 2018. PubMed ID: 29447731) and a fetus with congenital heart defects (Lu et al. 2022. PubMed ID: 34983622). This variant is reported in 0.0098% of alleles in individuals of South Asian descent in gnomAD and is interpreted as uncertain significance by most of the submitters in ClinVar. Another nucleotide substitution affecting the same amino acid (p.Arg1359Cys) has been reported in individuals with left ventricular noncompaction or dilated cardiomyopathy (Klaassen et al. 2008. PubMed ID: 18506004; Pezzoli et al. 2021. PubMed ID: 35050212). At this time, the clinical significance of the c.4076G>A (p.Arg1359His) variant is uncertain due to the absence of conclusive functional and genetic evidence.

Clinical Genetics, Academic Medical Center
Classification: Uncertain significance. Review status: no assertion criteria provided. Collection method: clinical testing. Allele origin: germline. Affected: yes. Study: VKGL Data-share Consensus. Not counted in ClinVar's aggregate classification.

Diagnostic Laboratory, Department of Genetics, University Medical Center Groningen
Classification: Uncertain significance. Review status: no assertion criteria provided. Collection method: clinical testing. Allele origin: germline. Affected: yes. Study: VKGL Data-share Consensus. Not counted in ClinVar's aggregate classification.

Genome Diagnostics Laboratory, University Medical Center Utrecht
Classification: Uncertain significance. Review status: no assertion criteria provided. Collection method: clinical testing. Allele origin: germline. Affected: yes. Study: VKGL Data-share Consensus. Not counted in ClinVar's aggregate classification.

Joint Genome Diagnostic Labs from Nijmegen and Maastricht, Radboudumc and MUMC+
Classification: Uncertain significance. Review status: no assertion criteria provided. Collection method: clinical testing. Allele origin: germline. Affected: yes. Study: VKGL Data-share Consensus. Not counted in ClinVar's aggregate classification.

Literature cited by the submitters: PubMed 26468400 (cited by 6 submitters); PubMed 29447731 (cited by 5 submitters); PubMed 31983221 (cited by 4 submitters); PubMed 34036930 (cited by 4 submitters); PubMed 18506004 (cited by Labcorp Genetics (formerly Invitae), Labcorp); PubMed 19412328 (cited by Labcorp Genetics (formerly Invitae), Labcorp); PubMed 20965760 (cited by Labcorp Genetics (formerly Invitae), Labcorp); PubMed 28790153 (cited by Labcorp Genetics (formerly Invitae), Labcorp); PubMed 34983622 (cited by 3 submitters); PubMed 33874732 (cited by Ambry Genetics); PubMed 33954932 (cited by Ambry Genetics); PubMed 39472908 (cited by Ambry Genetics); PubMed 22958901 (cited by Women's Health and Genetics/Laboratory Corporation of America, LabCorp); PubMed 25649125 (cited by Women's Health and Genetics/Laboratory Corporation of America, LabCorp).